The following is an entry in ClinVar:

ClinVar aggregate classification (germline): Uncertain significance. Review status: criteria provided, single submitter (1 of 4 stars). 2 submissions from 2 submitters: Uncertain significance (1). 1 of the submissions does not count toward it. Last evaluated 2018-01-13.

Conditions:
Microcephalic osteodysplastic primordial dwarfism type II (MOPD2). Also called: Microcephalic osteodysplastic primordial dwarfism with tooth abnormalities; MOPD II; OSTEODYSPLASTIC PRIMORDIAL DWARFISM, TYPE II. Identifiers: Orphanet 2637, MedGen C0432246, MONDO:0008872, OMIM 210720.
PCNT-related disorder. Also called: PCNT-related condition.

Allele frequency attached by ClinVar (database versions not stated): TOPMed below 0.00001; gnomAD 0.00001; gnomAD exomes 0.00002.
gnomAD v4.1: 37 of 1,613,970 alleles (0.0023%); highest among the groups gnomAD compares: Non-Finnish European, 0.0027%; no homozygotes.

Submissions (2):

Illumina Laboratory Services, Illumina
Classification: Uncertain significance for Microcephalic osteodysplastic primordial dwarfism type II. Last evaluated: 2018-01-13. Review status: criteria provided, single submitter. Criteria: ICSL Variant Classification Criteria 13 December 2019. Collection method: clinical testing. Allele origin: germline.

PreventionGenetics, part of Exact Sciences
Classification: Uncertain significance for PCNT-related condition. Last evaluated: 2023-12-13. Review status: no assertion criteria provided. Collection method: clinical testing. Allele origin: germline. Not counted in ClinVar's aggregate classification.
Comment: The PCNT c.4949G>A variant is predicted to result in the amino acid substitution p.Arg1650Gln. To our knowledge, this variant has not been reported in the literature or in a large population database, indicating this variant is rare. At this time, the clinical significance of this variant is uncertain due to the absence of conclusive functional and genetic evidence.

NM_006031.6(PCNT):c.4949G>A (p.Arg1650Gln)

Gene: PCNT (pericentrin; plus strand). Cytogenetic location: 21q22.3.
Variant type: single nucleotide variant.
Coding change: c.4949G>A on transcript NM_006031.6 (MANE Select); coding-DNA position 4949, G replaced by A.
Protein change: p.Arg1650Gln; replaces arginine 1650 with glutamine.
Molecular consequence: missense variant.
Genome position (GRCh38, 1-based): chr21:46,401,708, G>A. VCF-style: chr21-46401708-G-A. GRCh37 (hg19) VCF-style: chr21-47821622-G-A.
Other names: c.4595G>A, p.Arg1532Gln (NM_001315529.2); short protein forms R1532Q, R1650Q.
Identifiers: ClinVar variation 898609 (VCV000898609.5), dbSNP rs982539653, ClinGen allele CA322037688.
Genomic context (GRCh38, chr21:46,401,708, plus strand): 5'-CGGGCAGCCCTCCTGAGGGTCCAGAAATACAGTTAGAGGTGACACAGAGAGCACTCCTGC[G>A]GCGCGAGAGCGAGGTGAGTGCAGAGTGGGGCCATGGGACTGCCAGCCCTGGGTCAGTGTC-3'
Protein context (NP_006022.3, residues 1640-1660): QLEVTQRALL[Arg1650Gln]RESEVLDLKE